The following is an entry in ClinVar:

ClinVar aggregate classification (germline): Uncertain significance (1 of 4 stars; one submission).

Conditions:
Dyskeratosis congenita, autosomal dominant 2. Identifiers: MedGen C3151443, MONDO:0013521, OMIM 613989.
Idiopathic Pulmonary Fibrosis. Also called: Idiopathic fibrosing alveolitis, chronic form; idiopathic fibrosing alveolitis. Identifiers: Orphanet 2032, MedGen C1800706, MeSH D054990, MONDO:0800504.

Submission:

Labcorp Genetics (formerly Invitae), Labcorp
Classification: Uncertain significance for Dyskeratosis congenita, autosomal dominant 2; Idiopathic Pulmonary Fibrosis. Last evaluated: 2025-06-06. Review status: criteria provided, single submitter. Criteria: Invitae Variant Classification Sherloc (09022015). Collection method: clinical testing. Allele origin: germline.
Comment: This variant, c.2883_2894del, results in the deletion of 4 amino acid(s) of the TERT protein (p.Asn961_Phe964del), but otherwise preserves the integrity of the reading frame. This variant is not present in population databases (gnomAD no frequency). This variant has not been reported in the literature in individuals affected with TERT-related conditions. In summary, the available evidence is currently insufficient to determine the role of this variant in disease. Therefore, it has been classified as a Variant of Uncertain Significance.

NM_198253.3(TERT):c.2883_2894del (p.Asn961_Phe964del)

Gene: TERT (telomerase reverse transcriptase; minus strand). Cytogenetic location: 5p15.33.
Variant type: Deletion.
Coding change: c.2883_2894del on transcript NM_198253.3 (MANE Select); coding-DNA positions 2883 to 2894, 12 bases deleted (CCGCGGCTTCAA).
Protein change: p.Asn961_Phe964del.
Molecular consequence: non-coding transcript variant (on NR_149162.3).
Genome position (GRCh38, 1-based): chr5:1,260,550-1,260,561, TTGAAGCCGCGG deleted on the plus strand (CCGCGGCTTCAA on the coding strand, the reverse complement: TERT is on the minus strand); deleting any 12 consecutive bases within chr5:1,260,550-1,260,567 gives the same sequence; the c. name uses the placement nearest the transcript's 3' end. VCF-style (leftmost placement, unchanged base first): chr5-1260549-CTTGAAGCCGCGG-C. GRCh37 (hg19) VCF-style: chr5-1260664-CTTGAAGCCGCGG-C.
Other names: c.2694_2705del, p.Asn898_Phe901del (NM_001193376.3).
Identifiers: ClinVar variation 4785200 (VCV004785200.1).